The following is an entry in ClinVar:

NM_015001.3(SPEN):c.424C>T (p.Arg142Cys)

Gene: SPEN (spen family transcriptional repressor; plus strand). Cytogenetic location: 1p36.21.
Variant type: single nucleotide variant.
Coding change: c.424C>T on transcript NM_015001.3 (MANE Select); coding-DNA position 424, C replaced by T.
Protein change: p.Arg142Cys; replaces arginine 142 with cysteine.
Molecular consequence: missense variant.
Genome position (GRCh38, 1-based): chr1:15,876,221, C>T. VCF-style: chr1-15876221-C-T. GRCh37 (hg19) VCF-style: chr1-16202716-C-T.
Other names: short protein forms R142C.
Identifiers: ClinVar variation 3355357 (VCV003355357.1).

ClinVar aggregate classification (germline): Uncertain significance (0 of 4 stars; one submission).

Conditions:
SPEN-related disorder. Also called: SPEN-related condition.

gnomAD v4.1: 4 of 1,611,760 alleles (0.00025%); highest among the groups gnomAD compares: South Asian, 0.0033%; no homozygotes.

Submission:

PreventionGenetics, part of Exact Sciences
Classification: Uncertain significance for SPEN-related condition. Last evaluated: 2024-07-13. Review status: no assertion criteria provided. Collection method: clinical testing. Allele origin: germline.
Comment: The SPEN c.424C>T variant is predicted to result in the amino acid substitution p.Arg142Cys. To our knowledge, this variant has not been reported in the literature. This variant is reported in 0.0033% of alleles in individuals of South Asian descent in gnomAD. At this time, the clinical significance of this variant is uncertain due to the absence of conclusive functional and genetic evidence.